The following is an entry in ClinVar:

ClinVar aggregate classification (germline): Pathogenic (1 of 4 stars; one submission).

Conditions:
MPI-congenital disorder of glycosylation. Also called: PROTEIN-LOSING ENTEROPATHY-HEPATIC FIBROSIS SYNDROME; MPI-CDG; MPI DEFICIENCY; MANNOSEPHOSPHATE ISOMERASE DEFICIENCY; CONGENITAL DISORDER OF GLYCOSYLATION, TYPE Ib; CDG Ib. Identifiers: Orphanet 79319, MedGen C1865145, MONDO:0011257, OMIM 602579.

Allele frequency attached by ClinVar (database versions not stated): gnomAD exomes below 0.00001.

Submission:

Labcorp Genetics (formerly Invitae), Labcorp
Classification: Pathogenic for MPI-congenital disorder of glycosylation. Last evaluated: 2023-05-01. Review status: criteria provided, single submitter. Criteria: Invitae Variant Classification Sherloc (09022015). Collection method: clinical testing. Allele origin: germline.
Comment: This variant has not been reported in the literature in individuals affected with MPI-related conditions. For these reasons, this variant has been classified as Pathogenic. Algorithms developed to predict the effect of sequence changes on RNA splicing suggest that this variant may disrupt the consensus splice site. This variant is present in population databases (no rsID available, gnomAD 0.006%). This sequence change creates a premature translational stop signal (p.Gly265Trpfs*40) in the MPI gene. It is expected to result in an absent or disrupted protein product. Loss-of-function variants in MPI are known to be pathogenic (PMID: 19862844).

Literature cited by the submitters: PubMed 19862844.

NM_002435.3(MPI):c.792dup (p.Gly265fs)

Gene: MPI (mannose phosphate isomerase; plus strand). Cytogenetic location: 15q24.1.
Variant type: Duplication.
Coding change: c.792dup on transcript NM_002435.3 (MANE Select); coding-DNA position 792, one base duplicated (T; older notation c.792dupT).
Protein change: p.Gly265fs; shifts the reading frame from glycine 265.
Molecular consequence: frameshift variant.
Genome position (GRCh38, 1-based): chr15:74,896,273, T duplicated. VCF-style (leftmost placement, unchanged base first): chr15-74896272-C-CT. GRCh37 (hg19) VCF-style: chr15-75188613-C-CT.
Other names: c.792dup, p.Gly265fs (NM_001289155.2); c.642dup, p.Gly215fs (NM_001289156.2); c.609dup, p.Gly204fs (NM_001289157.2); c.732dup, p.Gly245fs (NM_001330372.2); short protein forms G215fs, G245fs, G204fs, G265fs.
Identifiers: ClinVar variation 2861192 (VCV002861192.3), dbSNP rs1313637977, ClinGen allele CA619413149.